The following is an entry in ClinVar:

ClinVar aggregate classification (germline): Uncertain significance (1 of 4 stars; one submission).

gnomAD v4.1: 18 of 1,612,812 alleles (0.0011%); highest among the groups gnomAD compares: Non-Finnish European, 0.0015%; no homozygotes.

Submission:

GeneDx
Classification: Uncertain significance. Last evaluated: 2025-08-15. Review status: criteria provided, single submitter. Criteria: GeneDx Variant Classification Process June 2021. Collection method: clinical testing. Allele origin: germline. Affected: yes.
Comment: Reported as a protective variant in an individual who was part of a hypertriglyceridemia study; however, clinical details were not provided (PMID: 36325899); Not observed at significant frequency in large population cohorts (gnomAD); In silico analysis suggests that this missense variant does not alter protein structure/function; This variant is associated with the following publications: (PMID: 36325899)

NM_001367561.1(DOCK7):c.1682+14693G>T

Genes: ANGPTL3 (angiopoietin like 3; plus strand), DOCK7 (dedicator of cytokinesis 7; minus strand). Cytogenetic location: 1p31.3.
Variant type: single nucleotide variant.
Coding change: c.1682+14693G>T on transcript NM_001367561.1 (MANE Select); 14693 bases into the intron after coding-DNA position 1682, G replaced by T.
Molecular consequence: intron variant. On other transcripts: missense variant (1).
Genome position (GRCh38, 1-based): chr1:62,604,013, C>A on the plus strand (G>T on the coding strand, the complement: DOCK7 is on the minus strand). VCF-style: chr1-62604013-C-A. GRCh37 (hg19) VCF-style: chr1-63069684-C-A.
Other names: c.976C>A, p.Gln326Lys (NM_014495.4); c.1682+14693G>T (NM_001272001.2, NM_001272000.2, NM_033407.4 and 3 more transcripts); short protein forms Q326K.
Identifiers: ClinVar variation 4795455 (VCV004795455.1).